The following is an entry in ClinVar:

NM_000719.7(CACNA1C):c.1917C>T (p.Asn639=)

Gene: CACNA1C (calcium voltage-gated channel subunit alpha1 C; plus strand). Cytogenetic location: 12p13.33.
Variant type: single nucleotide variant.
Coding change: c.1917C>T on transcript NM_000719.7 (MANE Select); coding-DNA position 1917, C replaced by T.
Protein change: p.Asn639=; no amino-acid change (asparagine 639 retained).
Molecular consequence: synonymous variant.
Genome position (GRCh38, 1-based): chr12:2,581,611, C>T. VCF-style: chr12-2581611-C-T. GRCh37 (hg19) VCF-style: chr12-2690777-C-T.
Other names: c.1917C>T, p.Asn639= (NM_001129827.2, NM_001129829.2, NM_001129830.3 and 18 more transcripts); c.1908C>T, p.Asn636= (NM_001129844.2).
Identifiers: ClinVar variation 1029939 (VCV001029939.10), dbSNP rs1057524804, ClinGen allele CA477883216.

ClinVar aggregate classification (germline): Conflicting classifications of pathogenicity. Review status: criteria provided, conflicting classifications (1 of 4 stars). 2 submissions from 2 submitters: Uncertain significance (1); Likely benign (1). Last evaluated 2025-11-11.

Conditions:
Timothy syndrome (TS). Also called: LONG QT SYNDROME WITH SYNDACTYLY. Identifiers: Orphanet 65283, MedGen C1832916, MeSH C536962, MONDO:0010979, OMIM 601005.
Long QT syndrome (LQTS). Identifiers: MedGen C0023976, MeSH D008133, MONDO:0002442. Disease mechanism: loss of function. Inheritance: Various modes of inheritance.

gnomAD v4.1: 1 of 1,569,778 alleles (0.000064%); highest among the groups gnomAD compares: Non-Finnish European, 0.000086%; no homozygotes.

Submissions (2):

Labcorp Genetics (formerly Invitae), Labcorp
Classification: Likely benign for Long QT syndrome. Last evaluated: 2025-11-11. Review status: criteria provided, single submitter. Criteria: Invitae Variant Classification Sherloc (09022015). Collection method: clinical testing. Allele origin: germline.

Baylor Genetics
Classification: Uncertain significance for Timothy syndrome. Last evaluated: 2019-11-16. Review status: criteria provided, single submitter. Criteria: ACMG Guidelines, 2015. Collection method: clinical testing. Allele origin: unknown. Affected: yes.
Comment: This variant was determined to be of uncertain significance according to ACMG Guidelines, 2015 [PMID:25741868].